The following is an entry in ClinVar:

ClinVar aggregate classification (germline): Likely benign. Review status: criteria provided, single submitter (1 of 4 stars). 2 submissions from 2 submitters: Likely benign (1). 1 of the submissions does not count toward it. Last evaluated 2024-04-17.

Conditions:
STAMBP-related disorder. Also called: STAMBP-related condition.

Allele frequency attached by ClinVar (database versions not stated): ExAC 0.00001; gnomAD exomes 0.00001; gnomAD 0.00018; TOPMed 0.00030; 1000 Genomes Project 0.00040; 1000 Genomes Project 30x 0.00047.
gnomAD v4.1: 48 of 1,608,776 alleles (0.003%); highest among the groups gnomAD compares: Admixed American, 0.053%; no homozygotes.

Submissions (2):

Labcorp Genetics (formerly Invitae), Labcorp
Classification: Likely benign. Last evaluated: 2024-04-17. Review status: criteria provided, single submitter. Criteria: Invitae Variant Classification Sherloc (09022015). Collection method: clinical testing. Allele origin: germline.

PreventionGenetics, part of Exact Sciences
Classification: Likely benign for STAMBP-related condition. Last evaluated: 2023-11-21. Review status: no assertion criteria provided. Collection method: clinical testing. Allele origin: germline. Not counted in ClinVar's aggregate classification.
Comment: This variant is classified as likely benign based on ACMG/AMP sequence variant interpretation guidelines (Richards et al. 2015 PMID: 25741868, with internal and published modifications).

NM_213622.4(STAMBP):c.1118+9A>C

Gene: STAMBP (STAM binding protein; plus strand). Cytogenetic location: 2p13.1.
Variant type: single nucleotide variant.
Coding change: c.1118+9A>C on transcript NM_213622.4 (MANE Select); 9 bases into the intron after coding-DNA position 1118, A replaced by C.
Molecular consequence: intron variant.
Genome position (GRCh38, 1-based): chr2:73,859,375, A>C. VCF-style: chr2-73859375-A-C. GRCh37 (hg19) VCF-style: chr2-74086502-A-C.
Other names: c.713+9A>C (NM_001353976.2, NM_001353974.2, NM_001353975.2 and 3 more transcripts); c.1118+9A>C (NM_001353970.2, NM_006463.6, NM_001353968.2 and 4 more transcripts).
Identifiers: ClinVar variation 2169007 (VCV002169007.6), dbSNP rs200767153, ClinGen allele CA1717703.